The following is an entry in ClinVar:

ClinVar aggregate classification (germline): Uncertain significance (1 of 4 stars; one submission).

Allele frequency attached by ClinVar (database versions not stated): ExAC 0.00001.
gnomAD v4.1: 5 of 1,607,744 alleles (0.00031%); highest among the groups gnomAD compares: East Asian, 0.0089%; no homozygotes.

Submission:

Labcorp Genetics (formerly Invitae), Labcorp
Classification: Uncertain significance. Last evaluated: 2021-12-11. Review status: criteria provided, single submitter. Criteria: Invitae Variant Classification Sherloc (09022015). Collection method: clinical testing. Allele origin: germline.
Comment: In summary, the available evidence is currently insufficient to determine the role of this variant in disease. Therefore, it has been classified as a Variant of Uncertain Significance. Variants that disrupt the consensus splice site are a relatively common cause of aberrant splicing (PMID: 17576681, 9536098). Algorithms developed to predict the effect of sequence changes on RNA splicing suggest that this variant is not likely to affect RNA splicing. This variant has not been reported in the literature in individuals affected with DSCAML1-related conditions. The frequency data for this variant in the population databases is considered unreliable, as metrics indicate poor data quality at this position in the gnomAD database. This sequence change falls in intron 9 of the DSCAML1 gene. It does not directly change the encoded amino acid sequence of the DSCAML1 protein. It affects a nucleotide within the consensus splice site.

Literature cited by the submitters: PubMed 17576681; PubMed 9536098.

NM_020693.4(DSCAML1):c.2062+6C>T

Gene: DSCAML1 (DS cell adhesion molecule like 1; minus strand). Cytogenetic location: 11q23.3.
Variant type: single nucleotide variant.
Coding change: c.2062+6C>T on transcript NM_020693.4 (MANE Select); 6 bases into the intron after coding-DNA position 2062, C replaced by T.
Molecular consequence: intron variant.
Genome position (GRCh38, 1-based): chr11:117,505,448, G>A on the plus strand (C>T on the coding strand, the complement: DSCAML1 is on the minus strand). VCF-style: chr11-117505448-G-A. GRCh37 (hg19) VCF-style: chr11-117376163-G-A.
Other names: c.2062+6C>T (NM_001367904.1).
Identifiers: ClinVar variation 1916659 (VCV001916659.5), dbSNP rs778315347, ClinGen allele CA6297116.